The following is an entry in ClinVar:

ClinVar aggregate classification (germline): Benign/Likely benign. Review status: criteria provided, multiple submitters, no conflicts (2 of 4 stars). 5 submissions from 5 submitters: Benign (3); Likely benign (2). Last evaluated 2026-07-01.

Allele frequency attached by ClinVar (database versions not stated): ESP Exome Variant Server 0.00049; 1000 Genomes Project 0.00060; gnomAD 0.00082; TOPMed 0.00110; gnomAD exomes 0.00014 and 0.00029; ExAC 0.00024; 1000 Genomes Project 30x 0.00047.
gnomAD v4.1: 330 of 1,613,134 alleles (0.02%); highest among the groups gnomAD compares: African/African-American, 0.28%; no homozygotes.

Submissions (5):

CeGaT Center for Human Genetics Tuebingen
Classification: Likely benign. Last evaluated: 2026-07-01. Review status: criteria provided, single submitter. Criteria: CeGaT Center For Human Genetics Tuebingen Variant Classification Criteria Version 2. Collection method: clinical testing. Allele origin: germline. Affected: yes. Observed: 3 variant alleles.
Comment: CACNA1G: BP4, BP7, BS1

Labcorp Genetics (formerly Invitae), Labcorp
Classification: Benign. Last evaluated: 2025-11-05. Review status: criteria provided, single submitter. Criteria: Invitae Variant Classification Sherloc (09022015). Collection method: clinical testing. Allele origin: germline.

Blueprint Genetics
Classification: Likely benign. Last evaluated: 2024-07-22. Review status: criteria provided, single submitter. Criteria: ACMG Guidelines, 2015. Collection method: clinical testing. Allele origin: germline.

GeneDx
Classification: Benign. Last evaluated: 2021-08-10. Review status: criteria provided, single submitter. Criteria: GeneDx Variant Classification Process June 2021. Collection method: clinical testing. Allele origin: germline. Affected: yes.

Breakthrough Genomics
Classification: Benign. Review status: criteria provided, single submitter. Criteria: ACMG Guidelines, 2015. Collection method: not provided. Allele origin: germline. Inheritance: Autosomal dominant inheritance. Affected: yes.

NM_018896.5(CACNA1G):c.2043C>T (p.Ala681=)

Gene: CACNA1G (calcium voltage-gated channel subunit alpha1 G; plus strand). Cytogenetic location: 17q21.33.
Variant type: single nucleotide variant.
Coding change: c.2043C>T on transcript NM_018896.5 (MANE Select); coding-DNA position 2043, C replaced by T.
Protein change: p.Ala681=; no amino-acid change (alanine 681 retained).
Molecular consequence: synonymous variant. On other transcripts: non-coding transcript variant (5).
Genome position (GRCh38, 1-based): chr17:50,578,306, C>T. VCF-style: chr17-50578306-C-T. GRCh37 (hg19) VCF-style: chr17-48655667-C-T.
Other names: c.2043C>T, p.Ala681= (NM_001256324.2, NM_001256325.2, NM_001256326.2 and 24 more transcripts).
Identifiers: ClinVar variation 742409 (VCV000742409.37), dbSNP rs368524369, ClinGen allele CA8652312.